The following is an entry in ClinVar:

ClinVar aggregate classification (germline): Uncertain significance. Review status: criteria provided, multiple submitters, no conflicts (2 of 4 stars). 3 submissions from 3 submitters: Uncertain significance (3). Last evaluated 2026-01-26.

Conditions:
Hypertrophic cardiomyopathy 1 (CMH1). Also called: MYH7-Related Familial Hypertrophic Cardiomyopathy; Familial hypertrophic cardiomyopathy 1. Identifiers: MedGen C3495498, MONDO:0008647, OMIM 192600.

Allele frequency attached by ClinVar (database versions not stated): gnomAD exomes 0.00001 and 0.00003; TOPMed 0.00001; ExAC 0.00002; gnomAD 0.00002.
gnomAD v4.1: 11 of 1,607,088 alleles (0.00068%); highest among the groups gnomAD compares: Admixed American, 0.01%; no homozygotes.

Submissions (3):

Labcorp Genetics (formerly Invitae), Labcorp
Classification: Uncertain significance for Hypertrophic cardiomyopathy 1. Last evaluated: 2026-01-26. Review status: criteria provided, single submitter. Criteria: Invitae Variant Classification Sherloc (09022015). Collection method: clinical testing. Allele origin: germline.
Comment: This sequence change replaces alanine, which is neutral and non-polar, with threonine, which is neutral and polar, at codon 536 of the MYLK2 protein (p.Ala536Thr). This variant is present in population databases (rs749619576, gnomAD 0.02%). This variant has not been reported in the literature in individuals affected with MYLK2-related conditions. ClinVar contains an entry for this variant (Variation ID: 647803). Invitae Evidence Modeling of protein sequence and biophysical properties (such as structural, functional, and spatial information, amino acid conservation, physicochemical variation, residue mobility, and thermodynamic stability) indicates that this missense variant is not expected to disrupt MYLK2 protein function with a negative predictive value of 80%. In summary, the available evidence is currently insufficient to determine the role of this variant in disease. Therefore, it has been classified as a Variant of Uncertain Significance.

Ambry Genetics
Classification: Uncertain significance. Last evaluated: 2025-06-22. Review status: criteria provided, single submitter. Criteria: Ambry Variant Classification Scheme 2023. Collection method: clinical testing. Allele origin: germline.
Comment: The p.A536T variant (also known as c.1606G>A), located in coding exon 11 of the MYLK2 gene, results from a G to A substitution at nucleotide position 1606. The alanine at codon 536 is replaced by threonine, an amino acid with similar properties. This amino acid position is conserved. In addition, this alteration is predicted to be tolerated by in silico analysis. Since supporting evidence is limited at this time, the clinical significance of this alteration remains unclear.

GeneDx
Classification: Uncertain significance. Last evaluated: 2022-02-10. Review status: criteria provided, single submitter. Criteria: GeneDx Variant Classification Process June 2021. Collection method: clinical testing. Allele origin: germline. Affected: yes.
Comment: Has not been previously published as pathogenic or benign to our knowledge; In silico analysis supports that this missense variant does not alter protein structure/function

NM_033118.4(MYLK2):c.1606G>A (p.Ala536Thr)

Gene: MYLK2 (myosin light chain kinase 2; plus strand). Cytogenetic location: 20q11.21.
Variant type: single nucleotide variant.
Coding change: c.1606G>A on transcript NM_033118.4 (MANE Select); coding-DNA position 1606, G replaced by A.
Protein change: p.Ala536Thr; replaces alanine 536 with threonine.
Molecular consequence: missense variant.
Genome position (GRCh38, 1-based): chr20:31,832,032, G>A. VCF-style: chr20-31832032-G-A. GRCh37 (hg19) VCF-style: chr20-30419835-G-A.
Other names: short protein forms A536T.
Identifiers: ClinVar variation 647803 (VCV000647803.14), dbSNP rs749619576, ClinGen allele CA9803278.
Genomic context (GRCh38, chr20:31,832,032, plus strand): 5'-AGCCCACCGTCACCATGCTGCCTCTCCCCCAGGGCCCGGATGAACGCTGCCCAGTGTCTC[G>A]CCCATCCCTGGCTCAACAACCTGGCGGAGAAAGCCAAACGCTGTAACCGACGCCTTAAGT-3'
Protein context (NP_149109.1, residues 526-546): RARMNAAQCL[Ala536Thr]HPWLNNLAEK